The following is an entry in ClinVar:

ClinVar aggregate classification (germline): Likely benign (0 of 4 stars; one submission).

Conditions:
KMT2D-related disorder. Also called: KMT2D-Related Disorders.

gnomAD v4.1: 3 of 1,613,756 alleles (0.00019%); highest among the groups gnomAD compares: African/African-American, 0.0013%; no homozygotes.

Submission:

PreventionGenetics, part of Exact Sciences
Classification: Likely benign for KMT2D-related condition. Last evaluated: 2023-07-26. Review status: no assertion criteria provided. Collection method: clinical testing. Allele origin: germline.
Comment: This variant is classified as likely benign based on ACMG/AMP sequence variant interpretation guidelines (Richards et al. 2015 PMID: 25741868, with internal and published modifications).

NM_003482.4(KMT2D):c.6960G>A (p.Glu2320=)

Gene: KMT2D (lysine methyltransferase 2D; minus strand). Cytogenetic location: 12q13.12.
Variant type: single nucleotide variant.
Coding change: c.6960G>A on transcript NM_003482.4 (MANE Select); coding-DNA position 6960, G replaced by A.
Protein change: p.Glu2320=; no amino-acid change (glutamic acid 2320 retained).
Molecular consequence: synonymous variant.
Genome position (GRCh38, 1-based): chr12:49,040,810, C>T on the plus strand (G>A on the coding strand, the complement: KMT2D is on the minus strand). VCF-style: chr12-49040810-C-T. GRCh37 (hg19) VCF-style: chr12-49434593-C-T.
Identifiers: ClinVar variation 3046970 (VCV003046970.2), dbSNP rs1943478552, ClinGen allele CA479711897.